The following is an entry in ClinVar:

ClinVar aggregate classification (germline): Pathogenic (1 of 4 stars; one submission).

Conditions:
Hereditary cancer-predisposing syndrome. Also called: Neoplastic Syndromes, Hereditary; Tumor predisposition; Hereditary neoplastic syndrome; Hereditary Cancer Syndrome. Identifiers: Orphanet 140162, MedGen C0027672, MeSH D009386, MONDO:0015356.

Submission:

Ambry Genetics
Classification: Pathogenic for Hereditary cancer-predisposing syndrome. Last evaluated: 2018-09-18. Review status: criteria provided, single submitter. Criteria: Ambry Variant Classification Scheme 2023. Collection method: clinical testing. Allele origin: germline.
Comment: The p.S1487* pathogenic mutation (also known as c.4460C>G), located in coding exon 29 of the ATM gene, results from a C to G substitution at nucleotide position 4460. This changes the amino acid from a serine to a stop codon within coding exon 29. This alteration is expected to result in loss of function by premature protein truncation or nonsense-mediated mRNA decay. As such, this alteration is interpreted as a disease-causing mutation.

NM_000051.4(ATM):c.4460C>G (p.Ser1487Ter)

Gene: ATM (ATM serine/threonine kinase; plus strand). Cytogenetic location: 11q22.3.
Variant type: single nucleotide variant.
Coding change: c.4460C>G on transcript NM_000051.4 (MANE Select); coding-DNA position 4460, C replaced by G.
Protein change: p.Ser1487Ter; replaces serine 1487 with a stop codon.
Molecular consequence: nonsense.
Genome position (GRCh38, 1-based): chr11:108,292,642, C>G. VCF-style: chr11-108292642-C-G. GRCh37 (hg19) VCF-style: chr11-108163369-C-G.
Other names: c.4460C>G, p.Ser1487Ter (NM_001351834.2); short protein forms S1487*.
Identifiers: ClinVar variation 824907 (VCV000824907.4), dbSNP rs1591673803, ClinGen allele CA382533062.